The following is an entry in ClinVar:

NM_030662.4(MAP2K2):c.567dup (p.Ile190fs)

Gene: MAP2K2 (mitogen-activated protein kinase kinase 2; minus strand). Cytogenetic location: 19p13.3.
Variant type: Duplication.
Coding change: c.567dup on transcript NM_030662.4 (MANE Select); coding-DNA position 567, one base duplicated (G; older notation c.567dupG).
Protein change: p.Ile190fs; shifts the reading frame from isoleucine 190.
Molecular consequence: frameshift variant.
Genome position (GRCh38, 1-based): chr19:4,101,242, C duplicated on the plus strand (G on the coding strand, the reverse complement: MAP2K2 is on the minus strand). VCF-style (leftmost placement, unchanged base first): chr19-4101241-T-TC. GRCh37 (hg19) VCF-style: chr19-4101239-T-TC.
Other names: short protein forms I190fs.
Identifiers: ClinVar variation 2833639 (VCV002833639.3), dbSNP rs2512310559, ClinGen allele CA2739276366.

ClinVar aggregate classification (germline): Uncertain significance (1 of 4 stars; one submission).

Conditions:
RASopathy. Also called: rasopathies; Noonan spectrum disorder. Identifiers: Orphanet 536391, MedGen C5555857, MONDO:0021060.

Submission:

Labcorp Genetics (formerly Invitae), Labcorp
Classification: Uncertain significance for RASopathy. Last evaluated: 2023-02-01. Review status: criteria provided, single submitter. Criteria: Invitae Variant Classification Sherloc (09022015). Collection method: clinical testing. Allele origin: germline.
Comment: In summary, the available evidence is currently insufficient to determine the role of this variant in disease. Therefore, it has been classified as a Variant of Uncertain Significance. This sequence change creates a premature translational stop signal (p.Ile190Aspfs*16) in the MAP2K2 gene. It is expected to result in an absent or disrupted protein product. However, the current clinical and genetic evidence is not sufficient to establish whether loss-of-function variants in MAP2K2 cause disease. This variant is not present in population databases (gnomAD no frequency). This variant has not been reported in the literature in individuals affected with MAP2K2-related conditions.